The following is an entry in ClinVar:

ClinVar aggregate classification (germline): Pathogenic (1 of 4 stars; one submission).

Submission:

GeneDx
Classification: Pathogenic. Last evaluated: 2018-12-10. Review status: criteria provided, single submitter. Criteria: GeneDx Variant Classification (06012015). Collection method: clinical testing. Allele origin: germline. Affected: yes.
Comment: The Y1834X nonsense variant in the NSD1 gene is predicted to cause loss of normal protein function either through protein truncation or nonsense-mediated mRNA decay. The Y1834X variant is not observed in large population cohorts (Lek et al., 2016). Although this pathogenic variant has not been reported previously to our knowledge, its presence is consistent with the diagnosis of Sotos syndrome.

NM_022455.5(NSD1):c.5502T>A (p.Tyr1834Ter)

Genes: NSD1 (nuclear receptor binding SET domain protein 1; plus strand), LOC126807619 (MED14-independent group 3 enhancer GRCh37_chr5:176696443-176697642; plus strand). Cytogenetic location: 5q35.3.
Variant type: single nucleotide variant.
Coding change: c.5502T>A on transcript NM_022455.5 (MANE Select); coding-DNA position 5502, T replaced by A.
Protein change: p.Tyr1834Ter; replaces tyrosine 1834 with a stop codon.
Molecular consequence: nonsense.
Genome position (GRCh38, 1-based): chr5:177,269,800, T>A. VCF-style: chr5-177269800-T-A. GRCh37 (hg19) VCF-style: chr5-176696801-T-A.
Other names: c.4629T>A, p.Tyr1543Ter (NM_001365684.2, NM_001409308.1, NM_001409309.1 and 1 more transcripts); c.5502T>A, p.Tyr1834Ter (NM_001409301.1, NM_001409302.1, NM_001409303.1); c.5082T>A, p.Tyr1694Ter (NM_001409304.1); c.4749T>A, p.Tyr1583Ter (NM_001409305.1); c.4740T>A, p.Tyr1580Ter (NM_001409306.1, NM_001409307.1); short protein forms Y1834*, Y1565*, Y1543*, Y1583*, Y1694*, Y1580*.
Identifiers: ClinVar variation 620496 (VCV000620496.1), dbSNP rs369086894, ClinGen allele CA362307179.